The following is an entry in ClinVar:

NM_014956.5(CEP164):c.2547del (p.Arg850fs)

Gene: CEP164 (centrosomal protein 164; plus strand). Cytogenetic location: 11q23.3.
Variant type: Deletion.
Coding change: c.2547del on transcript NM_014956.5 (MANE Select); coding-DNA position 2547, one base deleted (G; older notation c.2547delG).
Protein change: p.Arg850fs; shifts the reading frame from arginine 850.
Molecular consequence: frameshift variant.
Genome position (GRCh38, 1-based): chr11:117,393,057, G deleted; the last of 2 consecutive G bases (chr11:117,393,056-117,393,057); deleting either gives the same sequence. VCF-style (leftmost placement, unchanged base first): chr11-117393055-AG-A. GRCh37 (hg19) VCF-style: chr11-117263771-AG-A.
Other names: c.2556del, p.Arg853fs (NM_001271933.2, NM_001440949.1); c.2547del, p.Arg850fs (NM_001440950.1, NM_001440951.1, NM_001440953.1); c.2382del, p.Arg795fs (NM_001440952.1, NM_001440968.1, NM_001440969.1); c.2469del, p.Arg824fs (NM_001440954.1, NM_001440955.1, NM_001440958.1 and 1 more transcripts); c.2460del, p.Arg821fs (NM_001440956.1, NM_001440957.1); c.2418del, p.Arg807fs (NM_001440960.1); c.2409del, p.Arg804fs (NM_001440961.1, NM_001440967.1); c.2400del, p.Arg801fs (NM_001440962.1, NM_001440963.1, NM_001440964.1 and 4 more transcripts); and 7 more; short protein forms R705fs, R731fs, R754fs, R775fs, R780fs, R824fs, R850fs, R725fs.
Identifiers: ClinVar variation 4994761 (VCV004994761.1).

ClinVar aggregate classification (germline): Likely pathogenic (1 of 4 stars; one submission).

Conditions:
CEP164-related disorder. Also called: CEP164-related condition.

Submission:

PreventionGenetics, part of Exact Sciences
Classification: Likely pathogenic for CEP164-related condition. Last evaluated: 2026-07-16. Review status: criteria provided, single submitter. Criteria: ACMG Guidelines, 2015. Collection method: clinical testing. Allele origin: germline.
Comment: The CEP164 c.2547delG variant is predicted to result in a frameshift and premature protein termination (p.Arg850Glyfs*5). To our knowledge, this variant has not been reported in the literature or in a large population database (gnomAD), indicating this variant is rare. Frameshift variants in CEP164 are expected to be pathogenic. This variant is interpreted as likely pathogenic.